The following is an entry in ClinVar:

NM_017934.7(PHIP):c.4984A>G (p.Lys1662Glu)

Genes: IRAK1BP1 (interleukin 1 receptor associated kinase 1 binding protein 1; plus strand), PHIP (PHIP subunit of CUL4-Ring ligase complex; minus strand). Cytogenetic location: 6q14.1.
Variant type: single nucleotide variant.
Coding change: c.4984A>G on transcript NM_017934.7 (MANE Select); coding-DNA position 4984, A replaced by G.
Protein change: p.Lys1662Glu; replaces lysine 1662 with glutamic acid.
Molecular consequence: missense variant.
Genome position (GRCh38, 1-based): chr6:78,941,175, T>C on the plus strand (A>G on the coding strand, the complement: PHIP is on the minus strand). VCF-style: chr6-78941175-T-C. GRCh37 (hg19) VCF-style: chr6-79650892-T-C.
Other names: short protein forms K1662E.
Identifiers: ClinVar variation 4991228 (VCV004991228.1).

ClinVar aggregate classification (germline): Uncertain significance (1 of 4 stars; one submission).

Conditions:
PHIP-related disorder. Also called: PHIP-related condition; PHIP-related disorders.

Submission:

PreventionGenetics, part of Exact Sciences
Classification: Uncertain significance for PHIP-related condition. Last evaluated: 2026-09-09. Review status: criteria provided, single submitter. Criteria: ACMG Guidelines, 2015. Collection method: clinical testing. Allele origin: germline.
Comment: The PHIP c.4984A>G variant is predicted to result in the amino acid substitution p.Lys1662Glu. To our knowledge, this variant has not been reported in the literature or in a large population database (gnomAD), indicating this variant is rare. At this time, the clinical significance of this variant is uncertain due to the absence of conclusive functional and genetic evidence.